The following is an entry in ClinVar:

NM_001184880.2(PCDH19):c.1865G>T (p.Gly622Val)

Gene: PCDH19 (protocadherin 19; minus strand). Cytogenetic location: Xq22.1.
Variant type: single nucleotide variant.
Coding change: c.1865G>T on transcript NM_001184880.2 (MANE Select); coding-DNA position 1865, G replaced by T.
Protein change: p.Gly622Val; replaces glycine 622 with valine.
Molecular consequence: missense variant.
Genome position (GRCh38, 1-based): chrX:100,406,733, C>A on the plus strand (G>T on the coding strand, the complement: PCDH19 is on the minus strand). VCF-style: chrX-100406733-C-A. GRCh37 (hg19) VCF-style: chrX-99661731-C-A.
Other names: c.1865G>T, p.Gly622Val (NM_001105243.2, NM_020766.3); short protein forms G622V.
Identifiers: ClinVar variation 941038 (VCV000941038.8), dbSNP rs1928362026, ClinGen allele CA414001792.

ClinVar aggregate classification (germline): Uncertain significance (1 of 4 stars; one submission).

Conditions:
Developmental and epileptic encephalopathy, 9 (DEE9). Also called: Early infantile epileptic encephalopathy 9; EPILEPSY, FEMALE-RESTRICTED, WITH MENTAL RETARDATION; PCDH19-Related X-Linked Female-Limited Epilepsy with Mental Retardation; JUBERG-HELLMAN SYNDROME. Identifiers: Orphanet 101039, Orphanet 2076, MedGen C1848137, MONDO:0010246, OMIM 300088. Disease mechanism: loss of function.

Submission:

Labcorp Genetics (formerly Invitae), Labcorp
Classification: Uncertain significance for Developmental and epileptic encephalopathy, 9. Last evaluated: 2024-02-17. Review status: criteria provided, single submitter. Criteria: Invitae Variant Classification Sherloc (09022015). Collection method: clinical testing. Allele origin: germline.
Comment: This sequence change replaces glycine, which is neutral and non-polar, with valine, which is neutral and non-polar, at codon 622 of the PCDH19 protein (p.Gly622Val). This variant is not present in population databases (gnomAD no frequency). This variant has not been reported in the literature in individuals affected with PCDH19-related conditions. ClinVar contains an entry for this variant (Variation ID: 941038). Advanced modeling of protein sequence and biophysical properties (such as structural, functional, and spatial information, amino acid conservation, physicochemical variation, residue mobility, and thermodynamic stability) performed at Invitae indicates that this missense variant is expected to disrupt PCDH19 protein function with a positive predictive value of 95%. In summary, the available evidence is currently insufficient to determine the role of this variant in disease. Therefore, it has been classified as a Variant of Uncertain Significance.